The following is an entry in ClinVar:

ClinVar aggregate classification (germline): Uncertain significance (1 of 4 stars; one submission).

Conditions:
Progressive sclerosing poliodystrophy (MTDPS4A). Also called: ALPERS PROGRESSIVE INFANTILE POLIODYSTROPHY; NEURONAL DEGENERATION OF CHILDHOOD WITH LIVER DISEASE, PROGRESSIVE; Mitochondrial DNA depletion syndrome 4A (Alpers type); Alpers Syndrome; ALPERS DIFFUSE DEGENERATION OF CEREBRAL GRAY MATTER WITH HEPATIC CIRRHOSIS; Alpers-Huttenlocher Syndrome. Identifiers: Orphanet 726, MedGen C0205710, MONDO:0008758, OMIM 203700.

Allele frequency attached by ClinVar (database versions not stated): gnomAD exomes below 0.00001; TOPMed below 0.00001; gnomAD 0.00001; ExAC 0.00002.
gnomAD v4.1: 3 of 1,574,900 alleles (0.00019%); highest among the groups gnomAD compares: African/African-American, 0.0014%; no homozygotes.

Submission:

Labcorp Genetics (formerly Invitae), Labcorp
Classification: Uncertain significance for Progressive sclerosing poliodystrophy. Last evaluated: 2025-04-21. Review status: criteria provided, single submitter. Criteria: Invitae Variant Classification Sherloc (09022015). Collection method: clinical testing. Allele origin: germline.
Comment: This sequence change replaces alanine, which is neutral and non-polar, with valine, which is neutral and non-polar, at codon 170 of the POLG protein (p.Ala170Val). This variant is not present in population databases (gnomAD no frequency). This variant has not been reported in the literature in individuals affected with POLG-related conditions. ClinVar contains an entry for this variant (Variation ID: 2915732). Invitae Evidence Modeling of protein sequence and biophysical properties (such as structural, functional, and spatial information, amino acid conservation, physicochemical variation, residue mobility, and thermodynamic stability) indicates that this missense variant is not expected to disrupt POLG protein function with a negative predictive value of 95%. In summary, the available evidence is currently insufficient to determine the role of this variant in disease. Therefore, it has been classified as a Variant of Uncertain Significance.

NM_002693.3(POLG):c.509C>T (p.Ala170Val)

Genes: POLG (DNA polymerase gamma, catalytic subunit; minus strand), POLGARF (POLG alternative reading frame; minus strand). Cytogenetic location: 15q26.1.
Variant type: single nucleotide variant.
Coding change: c.509C>T on transcript NM_002693.3 (MANE Select); coding-DNA position 509, C replaced by T.
Protein change: p.Ala170Val; replaces alanine 170 with valine.
Molecular consequence: missense variant.
Genome position (GRCh38, 1-based): chr15:89,333,246, G>A on the plus strand (C>T on the coding strand, the complement: POLG is on the minus strand). VCF-style: chr15-89333246-G-A. GRCh37 (hg19) VCF-style: chr15-89876477-G-A.
Other names: c.509C>T, p.Ala170Val (NM_001126131.2); short protein forms A170V.
Identifiers: ClinVar variation 2915732 (VCV002915732.3), dbSNP rs755404918, ClinGen allele CA7725105.